The following is an entry in ClinVar:

ClinVar aggregate classification (germline): Uncertain significance. Review status: criteria provided, multiple submitters, no conflicts (2 of 4 stars). 2 submissions from 2 submitters: Uncertain significance (2). Last evaluated 2025-09-19.

Allele frequency attached by ClinVar (database versions not stated): gnomAD 0.00003; gnomAD exomes 0.00004; TOPMed 0.00013; ExAC 0.00017.
gnomAD v4.1: 59 of 1,600,636 alleles (0.0037%); highest among the groups gnomAD compares: Admixed American, 0.095%; no homozygotes.

Submissions (2):

GeneDx
Classification: Uncertain significance. Last evaluated: 2025-09-19. Review status: criteria provided, single submitter. Criteria: GeneDx Variant Classification Process June 2021. Collection method: clinical testing. Allele origin: germline. Affected: yes.
Comment: In silico analysis supports that this missense variant has a deleterious effect on protein structure/function; Has not been previously published as pathogenic or benign to our knowledge

Labcorp Genetics (formerly Invitae), Labcorp
Classification: Uncertain significance. Last evaluated: 2022-05-27. Review status: criteria provided, single submitter. Criteria: Invitae Variant Classification Sherloc (09022015). Collection method: clinical testing. Allele origin: germline.
Comment: This sequence change replaces valine, which is neutral and non-polar, with phenylalanine, which is neutral and non-polar, at codon 635 of the LRPPRC protein (p.Val635Phe). This variant is present in population databases (rs750995045, gnomAD 0.2%). This variant has not been reported in the literature in individuals affected with LRPPRC-related conditions. Algorithms developed to predict the effect of missense changes on protein structure and function are either unavailable or do not agree on the potential impact of this missense change (SIFT: "Tolerated"; PolyPhen-2: "Probably Damaging"; Align-GVGD: "Class C0"). In summary, the available evidence is currently insufficient to determine the role of this variant in disease. Therefore, it has been classified as a Variant of Uncertain Significance.

NM_133259.4(LRPPRC):c.1903G>T (p.Val635Phe)

Gene: LRPPRC (leucine rich pentatricopeptide repeat containing; minus strand). Cytogenetic location: 2p21.
Variant type: single nucleotide variant.
Coding change: c.1903G>T on transcript NM_133259.4 (MANE Select); coding-DNA position 1903, G replaced by T.
Protein change: p.Val635Phe; replaces valine 635 with phenylalanine.
Molecular consequence: missense variant.
Genome position (GRCh38, 1-based): chr2:43,948,139, C>A on the plus strand (G>T on the coding strand, the complement: LRPPRC is on the minus strand). VCF-style: chr2-43948139-C-A. GRCh37 (hg19) VCF-style: chr2-44175278-C-A.
Other names: c.1903G>T (NM_133259.3); short protein forms V635F.
Identifiers: ClinVar variation 2049808 (VCV002049808.3), dbSNP rs750995045, ClinGen allele CA1638683.